The following is an entry in ClinVar:

ClinVar aggregate classification (germline): Likely benign (1 of 4 stars; one submission).

gnomAD v4.1: 7,994 of 1,610,562 alleles (0.5%); highest among the groups gnomAD compares: Admixed American, 0.59%; 34 homozygotes.

Submission:

CeGaT Center for Human Genetics Tuebingen
Classification: Likely benign. Last evaluated: 2026-09-01. Review status: criteria provided, single submitter. Criteria: CeGaT Center For Human Genetics Tuebingen Variant Classification Criteria Version 2. Collection method: clinical testing. Allele origin: germline. Affected: yes. Observed: 4 variant alleles.
Comment: PHKB: BS2

NM_000293.3(PHKB):c.2196+31A>C

Gene: PHKB (phosphorylase kinase regulatory subunit beta; plus strand). Cytogenetic location: 16q12.1.
Variant type: single nucleotide variant.
Coding change: c.2196+31A>C on transcript NM_000293.3 (MANE Select); 31 bases into the intron after coding-DNA position 2196, A replaced by C.
Molecular consequence: intron variant.
Genome position (GRCh38, 1-based): chr16:47,660,850, A>C. VCF-style: chr16-47660850-A-C. GRCh37 (hg19) VCF-style: chr16-47694761-A-C.
Other names: c.2196+31A>C (NM_001363837.1); c.2175+31A>C (NM_001031835.3).
Identifiers: ClinVar variation 4872056 (VCV004872056.2).
Genomic context (GRCh38, chr16:47,660,850, plus strand): 5'-CCCACCCACGAAATTCTTCAAAAACTGAATGTGAGACAGATGCACTTCCCACATGGCCCT[A>C]AGTGAGGTTGCTGGAGCAGAAGCTCCCAGAATCAGACCATATGTCTTTTTGTCCTGTCAG-3'